The following is an entry in ClinVar:

NM_005566.4(LDHA):c.419-17T>C

Gene: LDHA (lactate dehydrogenase A; plus strand). Cytogenetic location: 11p15.1.
Variant type: single nucleotide variant.
Coding change: c.419-17T>C on transcript NM_005566.4 (MANE Select); 17 bases into the intron before coding-DNA position 419, T replaced by C.
Molecular consequence: intron variant.
Genome position (GRCh38, 1-based): chr11:18,402,823, T>C. VCF-style: chr11-18402823-T-C. GRCh37 (hg19) VCF-style: chr11-18424370-T-C.
Other names: c.419-17T>C (NM_001165416.2, NM_001165415.2); c.245-17T>C (NM_001135239.2); c.506-17T>C (NM_001165414.2).
Identifiers: ClinVar variation 514133 (VCV000514133.2), dbSNP rs201159343, ClinGen allele CA218584527.
Genomic context (GRCh38, chr11:18,402,823, plus strand): 5'-TTTCTTCATAGTAGGTATATCTTTTTTGTGTGTAGGGAGAGGATAATGGGTGATTTTTAT[T>C]TTCTCCTTTTTCATAGTGGATATCTTGACCTACGTGGCTTGGAAGATAAGTGGTTTTCCC-3'

ClinVar aggregate classification (germline): Likely benign. Review status: criteria provided, multiple submitters, no conflicts (2 of 4 stars). 2 submissions from 2 submitters: Likely benign (2). Last evaluated 2020-03-13.

Allele frequency attached by ClinVar (database versions not stated): gnomAD 0.00001; TOPMed 0.00001; gnomAD exomes 0.00002 and 0.00003; ESP Exome Variant Server 0.00008.
gnomAD v4.1: 39 of 1,602,078 alleles (0.0024%); highest among the groups gnomAD compares: Non-Finnish European, 0.0033%; no homozygotes.

Submissions (2):

Blueprint Genetics
Classification: Likely benign. Last evaluated: 2020-03-13. Review status: criteria provided, single submitter. Criteria: ACMG Guidelines, 2015. Collection method: clinical testing. Allele origin: germline.

GeneDx
Classification: Likely benign. Last evaluated: 2017-12-18. Review status: criteria provided, single submitter. Criteria: GeneDx Variant Classification (06012015). Collection method: clinical testing. Allele origin: germline. Affected: yes.
Comment: This variant is considered likely benign or benign based on one or more of the following criteria: it is a conservative change, it occurs at a poorly conserved position in the protein, it is predicted to be benign by multiple in silico algorithms, and/or has population frequency not consistent with disease.